The following is an entry in ClinVar:

NM_025074.7(FRAS1):c.3265G>A (p.Val1089Ile)

Gene: FRAS1 (Fraser extracellular matrix complex subunit 1; plus strand). Cytogenetic location: 4q21.21.
Variant type: single nucleotide variant.
Coding change: c.3265G>A on transcript NM_025074.7 (MANE Select); coding-DNA position 3265, G replaced by A.
Protein change: p.Val1089Ile; replaces valine 1089 with isoleucine.
Molecular consequence: missense variant.
Genome position (GRCh38, 1-based): chr4:78,375,852, G>A. VCF-style: chr4-78375852-G-A. GRCh37 (hg19) VCF-style: chr4-79297006-G-A.
Other names: c.3265G>A, p.Val1089Ile (NM_001166133.2); c.3265G>A (NM_025074.6); short protein forms V1089I.
Identifiers: ClinVar variation 1968868 (VCV001968868.6), dbSNP rs773318858, ClinGen allele CA2976881.

ClinVar aggregate classification (germline): Uncertain significance. Review status: criteria provided, multiple submitters, no conflicts (2 of 4 stars). 2 submissions from 2 submitters: Uncertain significance (2). Last evaluated 2025-03-27.

Conditions:
Inborn genetic diseases. Identifiers: MedGen C0950123, MeSH D030342.

Allele frequency attached by ClinVar (database versions not stated): gnomAD exomes below 0.00001; TOPMed below 0.00001; ExAC 0.00001; gnomAD 0.00001.
gnomAD v4.1: 5 of 1,613,648 alleles (0.00031%); highest among the groups gnomAD compares: Admixed American, 0.0067%; no homozygotes.

Submissions (2):

Ambry Genetics
Classification: Uncertain significance for Inborn genetic diseases. Last evaluated: 2025-03-27. Review status: criteria provided, single submitter. Criteria: Ambry Variant Classification Scheme 2023. Collection method: clinical testing. Allele origin: germline.

Labcorp Genetics (formerly Invitae), Labcorp
Classification: Uncertain significance. Last evaluated: 2022-06-13. Review status: criteria provided, single submitter. Criteria: Invitae Variant Classification Sherloc (09022015). Collection method: clinical testing. Allele origin: germline.
Comment: In summary, the available evidence is currently insufficient to determine the role of this variant in disease. Therefore, it has been classified as a Variant of Uncertain Significance. Algorithms developed to predict the effect of missense changes on protein structure and function are either unavailable or do not agree on the potential impact of this missense change (SIFT: "Deleterious"; PolyPhen-2: "Benign"; Align-GVGD: "Class C0"). This variant has not been reported in the literature in individuals affected with FRAS1-related conditions. This variant is present in population databases (rs773318858, gnomAD 0.006%). This sequence change replaces valine, which is neutral and non-polar, with isoleucine, which is neutral and non-polar, at codon 1089 of the FRAS1 protein (p.Val1089Ile).